The following is an entry in ClinVar:

ClinVar aggregate classification (germline): Uncertain significance. Review status: criteria provided, multiple submitters, no conflicts (2 of 4 stars). 2 submissions from 2 submitters: Uncertain significance (2). Last evaluated 2022-08-15.

Allele frequency attached by ClinVar (database versions not stated): gnomAD exomes 0.00014 and 0.00024; TOPMed 0.00015; ExAC 0.00016; gnomAD 0.00016; ESP Exome Variant Server 0.00023.
gnomAD v4.1: 376 of 1,606,518 alleles (0.023%); highest among the groups gnomAD compares: Non-Finnish European, 0.03%; no homozygotes.

Submissions (2):

Labcorp Genetics (formerly Invitae), Labcorp
Classification: Uncertain significance. Last evaluated: 2022-08-15. Review status: criteria provided, single submitter. Criteria: Invitae Variant Classification Sherloc (09022015). Collection method: clinical testing. Allele origin: germline.
Comment: This sequence change replaces valine, which is neutral and non-polar, with methionine, which is neutral and non-polar, at codon 1137 of the TUBGCP6 protein (p.Val1137Met). This variant is present in population databases (rs202000654, gnomAD 0.02%). This variant has not been reported in the literature in individuals affected with TUBGCP6-related conditions. ClinVar contains an entry for this variant (Variation ID: 1201784). Algorithms developed to predict the effect of missense changes on protein structure and function are either unavailable or do not agree on the potential impact of this missense change (SIFT: "Tolerated"; PolyPhen-2: "Not Available"; Align-GVGD: "Class C0"). In summary, the available evidence is currently insufficient to determine the role of this variant in disease. Therefore, it has been classified as a Variant of Uncertain Significance.

GeneDx
Classification: Uncertain significance. Last evaluated: 2021-01-29. Review status: criteria provided, single submitter. Criteria: GeneDx Variant Classification Process June 2021. Collection method: clinical testing. Allele origin: germline. Affected: yes.
Comment: In silico analysis, which includes protein predictors and evolutionary conservation, supports that this variant does not alter protein structure/function; Has not been previously published as pathogenic or benign to our knowledge

NM_020461.4(TUBGCP6):c.3409G>A (p.Val1137Met)

Gene: TUBGCP6 (tubulin gamma complex component 6; minus strand). Cytogenetic location: 22q13.33.
Variant type: single nucleotide variant.
Coding change: c.3409G>A on transcript NM_020461.4 (MANE Select); coding-DNA position 3409, G replaced by A.
Protein change: p.Val1137Met; replaces valine 1137 with methionine.
Molecular consequence: missense variant.
Genome position (GRCh38, 1-based): chr22:50,220,950, C>T on the plus strand (G>A on the coding strand, the complement: TUBGCP6 is on the minus strand). VCF-style: chr22-50220950-C-T. GRCh37 (hg19) VCF-style: chr22-50659379-C-T.
Other names: short protein forms V1137M.
Identifiers: ClinVar variation 1201784 (VCV001201784.6), dbSNP rs202000654, ClinGen allele CA10307957.